The following is an entry in ClinVar:

NM_001127222.2(CACNA1A):c.2371_2381del (p.Arg790_Glu791insTer)

Gene: CACNA1A (calcium voltage-gated channel subunit alpha1 A; minus strand). Cytogenetic location: 19p13.13.
Variant type: Deletion.
Coding change: c.2371_2381del on transcript NM_001127222.2 (MANE Select); coding-DNA positions 2371 to 2381, 11 bases deleted (GAGGCCCTGTA).
Protein change: p.Arg790_Glu791insTer.
Molecular consequence: nonsense.
Genome position (GRCh38, 1-based): chr19:13,299,252-13,299,262, TACAGGGCCTC deleted on the plus strand (GAGGCCCTGTA on the coding strand, the reverse complement: CACNA1A is on the minus strand). VCF-style (leftmost placement, unchanged base first): chr19-13299251-ATACAGGGCCTC-A. GRCh37 (hg19) VCF-style: chr19-13410065-ATACAGGGCCTC-A.
Other names: c.2383_2393del, p.Arg794_Glu795insTer (NM_000068.4, NM_023035.3); c.2374_2384del, p.Arg791_Glu792insTer (NM_001127221.2, NM_001174080.2).
Identifiers: ClinVar variation 3756974 (VCV003756974.2).

ClinVar aggregate classification (germline): Pathogenic (1 of 4 stars; one submission).

Conditions:
Episodic ataxia type 2 (EA2). Also called: ATAXIA, EPISODIC, WITH NYSTAGMUS; ATAXIA, FAMILIAL PAROXYSMAL; ACETAZOLAMIDE-RESPONSIVE HEREDITARY PAROXYSMAL CEREBELLAR ATAXIA; CEREBELLAR ATAXIA, PAROXYSMAL, ACETAZOLAMIDE-RESPONSIVE; CEREBELLOPATHY, HEREDITARY PAROXYSMAL; EPISODIC ATAXIA, NYSTAGMUS-ASSOCIATED. Identifiers: Orphanet 97, MedGen C1720416, MONDO:0007163, OMIM 108500.
Developmental and epileptic encephalopathy, 42 (DEE42A). Also called: Epileptic encephalopathy, early infantile, 42; DEVELOPMENTAL AND EPILEPTIC ENCEPHALOPATHY 42A; EPILEPTIC ENCEPHALOPATHY, EARLY INFANTILE, 42A. Identifiers: MedGen C4310716, MONDO:0014917, OMIM 617106.

Submission:

Labcorp Genetics (formerly Invitae), Labcorp
Classification: Pathogenic for Developmental and epileptic encephalopathy, 42; Episodic ataxia type 2. Last evaluated: 2024-06-25. Review status: criteria provided, single submitter. Criteria: Invitae Variant Classification Sherloc (09022015). Collection method: clinical testing. Allele origin: germline.
Comment: This sequence change creates a premature translational stop signal (p.Glu792*) in the CACNA1A gene. It is expected to result in an absent or disrupted protein product. Loss-of-function variants in CACNA1A are known to be pathogenic (PMID: 10371528, 19486177, 25735478, 27250579). This variant is not present in population databases (gnomAD no frequency). This variant has not been reported in the literature in individuals affected with CACNA1A-related conditions. For these reasons, this variant has been classified as Pathogenic.

Literature cited by the submitters: PubMed 10371528; PubMed 19486177; PubMed 25735478; PubMed 27250579.